The following is an entry in ClinVar:

ClinVar aggregate classification (germline): Uncertain significance (1 of 4 stars; one submission).

Submission:

Ambry Genetics
Classification: Uncertain significance. Last evaluated: 2024-11-16. Review status: criteria provided, single submitter. Criteria: Ambry Variant Classification Scheme 2023. Collection method: clinical testing. Allele origin: germline.
Comment: The p.S874P variant (also known as c.2620T>C), located in coding exon 4 of the ALPK2 gene, results from a T to C substitution at nucleotide position 2620. The serine at codon 874 is replaced by proline, an amino acid with similar properties. This amino acid position is conserved. In addition, this alteration is predicted to be tolerated by in silico analysis. Based on the available evidence, the clinical significance of this variant remains unclear.

NM_052947.4(ALPK2):c.2620T>C (p.Ser874Pro)

Gene: ALPK2 (alpha kinase 2; minus strand). Cytogenetic location: 18q21.31.
Variant type: single nucleotide variant.
Coding change: c.2620T>C on transcript NM_052947.4 (MANE Select); coding-DNA position 2620, T replaced by C.
Protein change: p.Ser874Pro; replaces serine 874 with proline.
Molecular consequence: missense variant.
Genome position (GRCh38, 1-based): chr18:58,537,567, A>G on the plus strand (T>C on the coding strand, the complement: ALPK2 is on the minus strand). VCF-style: chr18-58537567-A-G. GRCh37 (hg19) VCF-style: chr18-56204799-A-G.
Other names: short protein forms S874P.
Identifiers: ClinVar variation 3532141 (VCV003532141.1).